The following is an entry in ClinVar:

NM_003040.4(SLC4A2):c.3516C>T (p.Leu1172=)

Gene: SLC4A2 (solute carrier family 4 member 2; plus strand). Cytogenetic location: 7q36.1.
Variant type: single nucleotide variant.
Coding change: c.3516C>T on transcript NM_003040.4 (MANE Select); coding-DNA position 3516, C replaced by T.
Protein change: p.Leu1172=; no amino-acid change (leucine 1172 retained).
Molecular consequence: synonymous variant.
Genome position (GRCh38, 1-based): chr7:151,076,057, C>T. VCF-style: chr7-151076057-C-T. GRCh37 (hg19) VCF-style: chr7-150773144-C-T.
Other names: c.3516C>T, p.Leu1172= (NM_001199692.3); c.3489C>T, p.Leu1163= (NM_001199693.1); c.3474C>T, p.Leu1158= (NM_001199694.2).
Identifiers: ClinVar variation 2658178 (VCV002658178.24), dbSNP rs150666646, ClinGen allele CA4571733.

ClinVar aggregate classification (germline): Likely benign (1 of 4 stars; one submission).

Allele frequency attached by ClinVar (database versions not stated): ExAC 0.00017; ESP Exome Variant Server 0.00031; 1000 Genomes Project 0.00040; 1000 Genomes Project 30x 0.00047; gnomAD 0.00050; TOPMed 0.00059.
gnomAD v4.1: 136 of 1,611,708 alleles (0.0084%); highest among the groups gnomAD compares: African/African-American, 0.15%; no homozygotes.

Submission:

CeGaT Center for Human Genetics Tuebingen
Classification: Likely benign. Last evaluated: 2022-07-01. Review status: criteria provided, single submitter. Criteria: CeGaT Center For Human Genetics Tuebingen Variant Classification Criteria Version 2. Collection method: clinical testing. Allele origin: germline. Affected: yes. Observed: 1 variant allele.
Comment: SLC4A2: BP4, BP7